The following is an entry in ClinVar:

NM_016069.11(PAM16):c.299G>A (p.Arg100His)

Genes: CORO7-PAM16 (CORO7-PAM16 readthrough; minus strand), PAM16 (presequence translocase associated motor 16; minus strand). Cytogenetic location: 16p13.3.
Variant type: single nucleotide variant.
Coding change: c.299G>A on transcript NM_016069.11 (MANE Select); coding-DNA position 299, G replaced by A.
Protein change: p.Arg100His; replaces arginine 100 with histidine.
Molecular consequence: missense variant.
Genome position (GRCh38, 1-based): chr16:4,340,398, C>T on the plus strand (G>A on the coding strand, the complement: PAM16 is on the minus strand). VCF-style: chr16-4340398-C-T. GRCh37 (hg19) VCF-style: chr16-4390399-C-T.
Other names: c.3068G>A, p.Arg1023His (NM_001201479.2); short protein forms R100H, R1023H.
Identifiers: ClinVar variation 1494383 (VCV001494383.6), dbSNP rs775983589, ClinGen allele CA7873356.

ClinVar aggregate classification (germline): Uncertain significance (1 of 4 stars; one submission).

Allele frequency attached by ClinVar (database versions not stated): gnomAD 0.00002; gnomAD exomes 0.00002; ExAC 0.00003.
gnomAD v4.1: 62 of 1,612,060 alleles (0.0038%); highest among the groups gnomAD compares: East Asian, 0.031%; no homozygotes.

Submission:

Labcorp Genetics (formerly Invitae), Labcorp
Classification: Uncertain significance. Last evaluated: 2025-09-02. Review status: criteria provided, single submitter. Criteria: Invitae Variant Classification Sherloc (09022015). Collection method: clinical testing. Allele origin: germline.
Comment: This sequence change replaces arginine, which is basic and polar, with histidine, which is basic and polar, at codon 100 of the PAM16 protein (p.Arg100His). This variant is present in population databases (rs775983589, gnomAD 0.003%). This variant has not been reported in the literature in individuals affected with PAM16-related conditions. ClinVar contains an entry for this variant (Variation ID: 1494383). An algorithm developed to predict the effect of missense changes on protein structure and function (PolyPhen-2) suggests that this variant is likely to be disruptive. In summary, the available evidence is currently insufficient to determine the role of this variant in disease. Therefore, it has been classified as a Variant of Uncertain Significance.